The following is an entry in ClinVar:

ClinVar aggregate classification (germline): Uncertain significance (1 of 4 stars; one submission).

Allele frequency attached by ClinVar (database versions not stated): ExAC 0.00001; gnomAD exomes 0.00001; TOPMed 0.00001; gnomAD 0.00002; ESP Exome Variant Server 0.00008.
gnomAD v4.1: 23 of 1,614,044 alleles (0.0014%); highest among the groups gnomAD compares: Non-Finnish European, 0.0019%; no homozygotes.

Submission:

Labcorp Genetics (formerly Invitae), Labcorp
Classification: Uncertain significance. Last evaluated: 2024-10-30. Review status: criteria provided, single submitter. Criteria: Invitae Variant Classification Sherloc (09022015). Collection method: clinical testing. Allele origin: germline.
Comment: This sequence change replaces valine, which is neutral and non-polar, with methionine, which is neutral and non-polar, at codon 1004 of the MICAL1 protein (p.Val1004Met). This variant is present in population databases (rs372475703, gnomAD 0.003%). This variant has not been reported in the literature in individuals affected with MICAL1-related conditions. ClinVar contains an entry for this variant (Variation ID: 3000327). An algorithm developed to predict the effect of missense changes on protein structure and function (PolyPhen-2) suggests that this variant is likely to be tolerated. In summary, the available evidence is currently insufficient to determine the role of this variant in disease. Therefore, it has been classified as a Variant of Uncertain Significance.

NM_022765.4(MICAL1):c.2953G>A (p.Val985Met)

Gene: MICAL1 (microtubule associated monooxygenase, calponin and LIM domain containing 1; minus strand). Cytogenetic location: 6q21.
Variant type: single nucleotide variant.
Coding change: c.2953G>A on transcript NM_022765.4 (MANE Select); coding-DNA position 2953, G replaced by A.
Protein change: p.Val985Met; replaces valine 985 with methionine.
Molecular consequence: missense variant.
Genome position (GRCh38, 1-based): chr6:109,444,924, C>T on the plus strand (G>A on the coding strand, the complement: MICAL1 is on the minus strand). VCF-style: chr6-109444924-C-T. GRCh37 (hg19) VCF-style: chr6-109766127-C-T.
Other names: c.2695G>A, p.Val899Met (NM_001159291.2); c.3010G>A, p.Val1004Met (NM_001286613.2); short protein forms V899M, V1004M, V985M.
Identifiers: ClinVar variation 3000327 (VCV003000327.3), dbSNP rs372475703, ClinGen allele CA3952697.